The following is an entry in ClinVar:

NM_014014.5(SNRNP200):c.1377+8A>G

Gene: SNRNP200 (small nuclear ribonucleoprotein U5 subunit 200; minus strand). Cytogenetic location: 2q11.2.
Variant type: single nucleotide variant.
Coding change: c.1377+8A>G on transcript NM_014014.5 (MANE Select); 8 bases into the intron after coding-DNA position 1377, A replaced by G.
Molecular consequence: intron variant.
Genome position (GRCh38, 1-based): chr2:96,297,355, T>C on the plus strand (A>G on the coding strand, the complement: SNRNP200 is on the minus strand). VCF-style: chr2-96297355-T-C. GRCh37 (hg19) VCF-style: chr2-96963093-T-C.
Other names: c.1377+8A>G (NM_014014.4).
Identifiers: ClinVar variation 1112085 (VCV001112085.11), dbSNP rs368074667, ClinGen allele CA1778952.

ClinVar aggregate classification (germline): Likely benign. Review status: criteria provided, single submitter (1 of 4 stars). 2 submissions from 2 submitters: Likely benign (1). 1 of the submissions does not count toward it. Last evaluated 2024-12-19.

Conditions:
SNRNP200-related disorder. Also called: SNRNP200-related condition.

Allele frequency attached by ClinVar (database versions not stated): gnomAD exomes 0.00001 and 0.00003; ExAC 0.00004; gnomAD 0.00009; TOPMed 0.00012; ESP Exome Variant Server 0.00031.
gnomAD v4.1: 34 of 1,612,922 alleles (0.0021%); highest among the groups gnomAD compares: African/African-American, 0.043%; no homozygotes.

Submissions (2):

Labcorp Genetics (formerly Invitae), Labcorp
Classification: Likely benign. Last evaluated: 2024-12-19. Review status: criteria provided, single submitter. Criteria: Invitae Variant Classification Sherloc (09022015). Collection method: clinical testing. Allele origin: germline.

PreventionGenetics, part of Exact Sciences
Classification: Likely benign for SNRNP200-related condition. Last evaluated: 2020-07-23. Review status: no assertion criteria provided. Collection method: clinical testing. Allele origin: germline. Not counted in ClinVar's aggregate classification.
Comment: This variant is classified as likely benign based on ACMG/AMP sequence variant interpretation guidelines (Richards et al. 2015 PMID: 25741868, with internal and published modifications).